The following is an entry in ClinVar:

ClinVar aggregate classification (germline): Uncertain significance (1 of 4 stars; one submission).

Conditions:
Charcot-Marie-Tooth disease type 4. Also called: Charcot-Marie-Tooth disease, type IV; Charcot-Marie-Tooth, Type 4. Identifiers: Orphanet 64749, MedGen C4082197, MONDO:0018995.

Submission:

Labcorp Genetics (formerly Invitae), Labcorp
Classification: Uncertain significance for Charcot-Marie-Tooth disease type 4. Last evaluated: 2021-08-27. Review status: criteria provided, single submitter. Criteria: Invitae Variant Classification Sherloc (09022015). Collection method: clinical testing. Allele origin: germline.
Comment: This variant, c.1469_1471del, results in the deletion of 1 amino acid(s) of the SH3TC2 protein (p.Ser490del), but otherwise preserves the integrity of the reading frame. This variant is present in population databases (rs755728218, ExAC 0.01%). This variant has not been reported in the literature in individuals affected with SH3TC2-related conditions. Experimental studies and prediction algorithms are not available or were not evaluated, and the functional significance of this variant is currently unknown. In summary, the available evidence is currently insufficient to determine the role of this variant in disease. Therefore, it has been classified as a Variant of Uncertain Significance.

NM_024577.4(SH3TC2):c.1469_1471del (p.Ser490del)

Gene: SH3TC2 (SH3 domain and tetratricopeptide repeats 2; minus strand). Cytogenetic location: 5q32.
Variant type: Deletion.
Coding change: c.1469_1471del on transcript NM_024577.4 (MANE Select); coding-DNA positions 1469 to 1471, 3 bases deleted (CCT; older notation c.1469_1471delCCT).
Protein change: p.Ser490del; deletes serine 490.
Molecular consequence: inframe deletion.
Genome position (GRCh38, 1-based): chr5:149,028,261-149,028,263, AGG deleted on the plus strand (CCT on the coding strand, the reverse complement: SH3TC2 is on the minus strand); deleting any 3 consecutive bases within chr5:149,028,261-149,028,265 gives the same sequence; the c. name uses the placement nearest the transcript's 3' end. VCF-style (leftmost placement, unchanged base first): chr5-149028260-AAGG-A. GRCh37 (hg19) VCF-style: chr5-148407823-AAGG-A.
Other names: c.1469_1471delCCT (NM_024577.3); short protein forms S490del.
Identifiers: ClinVar variation 543353 (VCV000543353.6), dbSNP rs755728218, ClinGen allele CA3499170.